The following is an entry in ClinVar:

NM_001184.4(ATR):c.2735G>A (p.Arg912Lys)

Gene: ATR (ATR checkpoint kinase; minus strand). Cytogenetic location: 3q23.
Variant type: single nucleotide variant.
Coding change: c.2735G>A on transcript NM_001184.4 (MANE Select); coding-DNA position 2735, G replaced by A.
Protein change: p.Arg912Lys; replaces arginine 912 with lysine.
Molecular consequence: missense variant.
Genome position (GRCh38, 1-based): chr3:142,553,297, C>T on the plus strand (G>A on the coding strand, the complement: ATR is on the minus strand). VCF-style: chr3-142553297-C-T. GRCh37 (hg19) VCF-style: chr3-142272139-C-T.
Other names: c.2543G>A, p.Arg848Lys (NM_001354579.2); short protein forms R848K, R912K.
Identifiers: ClinVar variation 4752381 (VCV004752381.1).

ClinVar aggregate classification (germline): Uncertain significance (1 of 4 stars; one submission).

gnomAD v4.1: 2 of 1,614,070 alleles (0.00012%); highest among the groups gnomAD compares: East Asian, 0.0045%; no homozygotes.

Submission:

Labcorp Genetics (formerly Invitae), Labcorp
Classification: Uncertain significance. Last evaluated: 2025-11-12. Review status: criteria provided, single submitter. Criteria: Invitae Variant Classification Sherloc (09022015). Collection method: clinical testing. Allele origin: germline.
Comment: This sequence change replaces arginine, which is basic and polar, with lysine, which is basic and polar, at codon 912 of the ATR protein (p.Arg912Lys). This variant is not present in population databases (gnomAD no frequency). This variant has not been reported in the literature in individuals affected with ATR-related conditions. An algorithm developed to predict the effect of missense changes on protein structure and function (PolyPhen-2) suggests that this variant is likely to be tolerated. In summary, the available evidence is currently insufficient to determine the role of this variant in disease. Therefore, it has been classified as a Variant of Uncertain Significance.